The following is an entry in ClinVar:

ClinVar aggregate classification (germline): Uncertain significance. Review status: criteria provided, multiple submitters, no conflicts (2 of 4 stars). 2 submissions from 2 submitters: Uncertain significance (2). Last evaluated 2023-03-29.

Conditions:
Familial thoracic aortic aneurysm and aortic dissection (TAAD). Also called: Thoracic aortic aneurysms and dissections. Identifiers: Orphanet 91387, MedGen C4707243, MONDO:0019625.

Allele frequency attached by ClinVar (database versions not stated): TOPMed 0.00001.
gnomAD v4.1: 2 of 1,614,008 alleles (0.00012%); highest among the groups gnomAD compares: Non-Finnish European, 0.00017%; no homozygotes.

Submissions (2):

Ambry Genetics
Classification: Uncertain significance for Familial thoracic aortic aneurysm and aortic dissection. Last evaluated: 2023-03-29. Review status: criteria provided, single submitter. Criteria: Ambry Variant Classification Scheme 2023. Collection method: clinical testing. Allele origin: germline.
Comment: The p.P1049A variant (also known as c.3145C>G), located in coding exon 43 of the COL3A1 gene, results from a C to G substitution at nucleotide position 3145. The proline at codon 1049 is replaced by alanine, an amino acid with highly similar properties. This amino acid position is well conserved in available vertebrate species. In addition, the in silico prediction for this alteration is inconclusive. Since supporting evidence is limited at this time, the clinical significance of this alteration remains unclear.

GeneDx
Classification: Uncertain significance. Last evaluated: 2019-12-05. Review status: criteria provided, single submitter. Criteria: GeneDx Variant Classification Process June 2021. Collection method: clinical testing. Allele origin: germline. Affected: yes.
Comment: Has not been previously published as pathogenic or benign to our knowledge; Not observed in large population cohorts (Lek et al., 2016); In silico analysis, which includes protein predictors and evolutionary conservation, supports a deleterious effect; Occurs in the triple helical domain at the Y position in the canonical Gly-X-Y repeat; although this variant may have an effect on normal protein folding and function, missense substitution at the Y position is not a common mechanism of disease (Stenson et al., 2014)

NM_000090.4(COL3A1):c.3145C>G (p.Pro1049Ala)

Gene: COL3A1 (collagen type III alpha 1 chain; plus strand). Cytogenetic location: 2q32.2.
Variant type: single nucleotide variant.
Coding change: c.3145C>G on transcript NM_000090.4 (MANE Select); coding-DNA position 3145, C replaced by G.
Protein change: p.Pro1049Ala; replaces proline 1049 with alanine.
Molecular consequence: missense variant.
Genome position (GRCh38, 1-based): chr2:189,006,396, C>G. VCF-style: chr2-189006396-C-G. GRCh37 (hg19) VCF-style: chr2-189871122-C-G.
Other names: short protein forms P1049A.
Identifiers: ClinVar variation 1310797 (VCV001310797.4), dbSNP rs775562650, ClinGen allele CA62559350.